The following is an entry in ClinVar:

ClinVar aggregate classification (germline): Uncertain significance. Review status: criteria provided, multiple submitters, no conflicts (2 of 4 stars). 4 submissions from 4 submitters: Uncertain significance (4). Last evaluated 2022-10-20.

Conditions:
Multiple congenital anomalies-hypotonia-seizures syndrome 1 (MCAHS1). Also called: GLYCOSYLPHOSPHATIDYLINOSITOL BIOSYNTHESIS DEFECT 3; PIGN-CDG; Congenital disorder of glycosylation due to PIGN deficiency. Identifiers: Orphanet 280633, MedGen C3279775, MONDO:0013563, OMIM 614080.
PIGN-related disorder. Also called: PIGN-related condition.

Allele frequency attached by ClinVar (database versions not stated): gnomAD exomes 0.00001; gnomAD 0.00006 and 0.00007; ESP Exome Variant Server 0.00008; TOPMed 0.00008.
gnomAD v4.1: 28 of 1,612,302 alleles (0.0017%); highest among the groups gnomAD compares: African/African-American, 0.035%; no homozygotes.

Submissions (4):

Women's Health and Genetics/Laboratory Corporation of America, LabCorp
Classification: Uncertain significance. Last evaluated: 2022-10-20. Review status: criteria provided, single submitter. Criteria: LabCorp Variant Classification Summary - May 2015. Collection method: clinical testing. Allele origin: germline.
Comment: Variant summary: PIGN c.776T>C (p.Phe259Ser) results in a non-conservative amino acid change located in the N-terminal domain (IPR037671) of the encoded protein sequence. Five of five in-silico tools predict a damaging effect of the variant on protein function. The variant allele was found at a frequency of 8e-06 in 248578 control chromosomes (gnomAD). The available data on variant occurrences in the general population are insufficient to allow any conclusion about variant significance. To our knowledge, no occurrence of c.776T>C in individuals affected with Multiple Congenital Anomalies-Hypotonia Syndrome and no experimental evidence demonstrating its impact on protein function have been reported. Two clinical diagnostic laboratories have submitted clinical-significance assessments for this variant to ClinVar after 2014 and both classified the variant as uncertain significance. Based on the evidence outlined above, the variant was classified as uncertain significance.

PreventionGenetics, part of Exact Sciences
Classification: Uncertain significance for PIGN-related condition. Last evaluated: 2022-09-07. Review status: criteria provided, single submitter. Criteria: ACMG Guidelines, 2015. Collection method: clinical testing. Allele origin: germline.
Comment: The PIGN c.776T>C variant is predicted to result in the amino acid substitution p.Phe259Ser. To our knowledge, this variant has not been reported in the literature. This variant is reported in 0.012% of alleles in individuals of African descent in gnomAD. At this time, the clinical significance of this variant is uncertain due to the absence of conclusive functional and genetic evidence.

Labcorp Genetics (formerly Invitae), Labcorp
Classification: Uncertain significance for Multiple congenital anomalies-hypotonia-seizures syndrome 1. Last evaluated: 2022-08-09. Review status: criteria provided, single submitter. Criteria: Invitae Variant Classification Sherloc (09022015). Collection method: clinical testing. Allele origin: germline.
Comment: This sequence change replaces phenylalanine, which is neutral and non-polar, with serine, which is neutral and polar, at codon 259 of the PIGN protein (p.Phe259Ser). This variant is present in population databases (rs370310838, gnomAD 0.01%). This missense change has been observed in individual(s) with clinical features of PIGN-related conditions (Invitae). In at least one individual the data is consistent with being in trans (on the opposite chromosome) from a pathogenic variant. ClinVar contains an entry for this variant (Variation ID: 451789). Algorithms developed to predict the effect of missense changes on protein structure and function (SIFT, PolyPhen-2, Align-GVGD) all suggest that this variant is likely to be disruptive. In summary, the available evidence is currently insufficient to determine the role of this variant in disease. Therefore, it has been classified as a Variant of Uncertain Significance.

GeneDx
Classification: Uncertain significance. Last evaluated: 2021-03-11. Review status: criteria provided, single submitter. Criteria: GeneDx Variant Classification Process June 2021. Collection method: clinical testing. Allele origin: germline. Affected: yes.
Comment: Not observed at a significant frequency in large population cohorts (Lek et al., 2016); In silico analysis supports that this missense variant has a deleterious effect on protein structure/function; Has not been previously published as pathogenic or benign to our knowledge

NM_176787.5(PIGN):c.776T>C (p.Phe259Ser)

Gene: PIGN (phosphatidylinositol glycan anchor biosynthesis class N; minus strand). Cytogenetic location: 18q21.33.
Variant type: single nucleotide variant.
Coding change: c.776T>C on transcript NM_176787.5 (MANE Select); coding-DNA position 776, T replaced by C.
Protein change: p.Phe259Ser; replaces phenylalanine 259 with serine.
Molecular consequence: missense variant.
Genome position (GRCh38, 1-based): chr18:62,147,000, A>G on the plus strand (T>C on the coding strand, the complement: PIGN is on the minus strand). VCF-style: chr18-62147000-A-G. GRCh37 (hg19) VCF-style: chr18-59814233-A-G.
Other names: c.776T>C, p.Phe259Ser (NM_012327.6); short protein forms F259S.
Identifiers: ClinVar variation 451789 (VCV000451789.8), dbSNP rs370310838, ClinGen allele CA301684851.
Genomic context (GRCh38, chr18:62,147,000, plus strand): 5'-TAAGGTACATATCAATTAAAGACACACTAACCCCAGTCTGTCATTCCATGGTCAGAGGTA[A>G]AGATAAATGTTGTTTTCCCATCATTTCCATAGAAGTGGTTAAACATAGACACGATTTCTT-3'
Protein context (NP_789744.1, residues 249-269): YGNDGKTTFI[Phe259Ser]TSDHGMTDWG